The following is an entry in ClinVar:

ClinVar aggregate classification (germline): Uncertain significance. Review status: criteria provided, multiple submitters, no conflicts (2 of 4 stars). 4 submissions from 4 submitters: Uncertain significance (4). Last evaluated 2023-04-11.

Conditions:
Microcephaly 5, primary, autosomal recessive (MCPH5). Also called: ASPM Primary Microcephaly. Identifiers: Orphanet 2512, MedGen C1837501, MONDO:0012106, OMIM 608716.

Allele frequency attached by ClinVar (database versions not stated): gnomAD 0.00001; gnomAD exomes 0.00001; TOPMed 0.00001; ExAC 0.00002; ESP Exome Variant Server 0.00008.
gnomAD v4.1: 22 of 1,613,894 alleles (0.0014%); highest among the groups gnomAD compares: South Asian, 0.0066%; no homozygotes.

Submissions (4):

Genome-Nilou Lab
Classification: Uncertain significance for Microcephaly 5, primary, autosomal recessive. Last evaluated: 2023-04-11. Review status: criteria provided, single submitter. Criteria: ACMG Guidelines, 2015. Collection method: clinical testing. Allele origin: germline. Affected: no.

Labcorp Genetics (formerly Invitae), Labcorp
Classification: Uncertain significance. Last evaluated: 2022-08-20. Review status: criteria provided, single submitter. Criteria: Invitae Variant Classification Sherloc (09022015). Collection method: clinical testing. Allele origin: germline.
Comment: This sequence change replaces arginine, which is basic and polar, with histidine, which is basic and polar, at codon 771 of the ASPM protein (p.Arg771His). This variant is present in population databases (rs375059809, gnomAD 0.006%). This variant has not been reported in the literature in individuals affected with ASPM-related conditions. ClinVar contains an entry for this variant (Variation ID: 434411). Algorithms developed to predict the effect of missense changes on protein structure and function output the following: SIFT: "Deleterious"; PolyPhen-2: "Benign"; Align-GVGD: "Class C0". The histidine amino acid residue is found in multiple mammalian species, which suggests that this missense change does not adversely affect protein function. In summary, the available evidence is currently insufficient to determine the role of this variant in disease. Therefore, it has been classified as a Variant of Uncertain Significance.

Baylor Genetics
Classification: Uncertain significance for Microcephaly 5, primary, autosomal recessive. Last evaluated: 2019-04-11. Review status: criteria provided, single submitter. Criteria: ACMG Guidelines, 2015. Collection method: clinical testing. Allele origin: unknown. Affected: yes.
Comment: This variant was determined to be of uncertain significance according to ACMG Guidelines, 2015 [PMID:25741868].

Genetic Services Laboratory, University of Chicago
Classification: Uncertain significance. Last evaluated: 2016-06-10. Review status: criteria provided, single submitter. Criteria: ACMG Guidelines, 2015. Collection method: clinical testing. Allele origin: germline. Affected: no.

NM_018136.5(ASPM):c.2312G>A (p.Arg771His)

Gene: ASPM (assembly factor for spindle microtubules; minus strand). Cytogenetic location: 1q31.3.
Variant type: single nucleotide variant.
Coding change: c.2312G>A on transcript NM_018136.5 (MANE Select); coding-DNA position 2312, G replaced by A.
Protein change: p.Arg771His; replaces arginine 771 with histidine.
Molecular consequence: missense variant.
Genome position (GRCh38, 1-based): chr1:197,133,457, C>T on the plus strand (G>A on the coding strand, the complement: ASPM is on the minus strand). VCF-style: chr1-197133457-C-T. GRCh37 (hg19) VCF-style: chr1-197102587-C-T.
Other names: c.2312G>A, p.Arg771His (NM_001206846.2); short protein forms R771H.
Identifiers: ClinVar variation 434411 (VCV000434411.9), dbSNP rs375059809, ClinGen allele CA1310491.